The following is an entry in ClinVar:

ClinVar aggregate classification (germline): Uncertain significance (1 of 4 stars; one submission).

Conditions:
Autosomal recessive limb-girdle muscular dystrophy type 2A (LGMDR1). Also called: LEYDEN-MOEBIUS MUSCULAR DYSTROPHY; MUSCULAR DYSTROPHY, PELVOFEMORAL; Limb-girdle muscular dystrophy, type 2A; Muscular dystrophy, limb-girdle, type 2A, Amish; Calpainopathy. Identifiers: Orphanet 267, MedGen C1869123, MONDO:0009675, OMIM 253600. Disease mechanism: loss of function.

Submission:

Kariminejad - Najmabadi Pathology & Genetics Center
Classification: Uncertain significance for Autosomal recessive limb-girdle muscular dystrophy type 2A. Last evaluated: 2020-01-11. Review status: criteria provided, single submitter. Criteria: ACMG Guidelines, 2015. Collection method: clinical testing. Allele origin: germline. Inheritance: Autosomal recessive inheritance. Affected: yes.
Comment: PM2, PP3, PP4

NM_000070.3(CAPN3):c.495C>A (p.Phe165Leu)

Genes: CAPN3 (calpain 3; plus strand), LOC126862115 (BRD4-independent group 4 enhancer GRCh37_chr15:42677734-42678933; plus strand). Cytogenetic location: 15q15.1.
Variant type: single nucleotide variant.
Coding change: c.495C>A on transcript NM_000070.3 (MANE Select); coding-DNA position 495, C replaced by A.
Protein change: p.Phe165Leu; replaces phenylalanine 165 with leucine.
Molecular consequence: missense variant.
Genome position (GRCh38, 1-based): chr15:42,386,282, C>A. VCF-style: chr15-42386282-C-A. GRCh37 (hg19) VCF-style: chr15-42678480-C-A.
Other names: c.495C>A, p.Phe165Leu (NM_024344.2, NM_173087.2); short protein forms F165L.
Identifiers: ClinVar variation 3896791 (VCV003896791.1).